The following is an entry in ClinVar:

ClinVar aggregate classification (germline): Conflicting classifications of pathogenicity. Review status: criteria provided, conflicting classifications (1 of 4 stars). 2 submissions from 2 submitters: Uncertain significance (1); Likely benign (1). Last evaluated 2025-04-13.

Conditions:
Inborn genetic diseases. Identifiers: MedGen C0950123, MeSH D030342.

Allele frequency attached by ClinVar (database versions not stated): gnomAD exomes below 0.00001 and 0.00001; ExAC 0.00001; gnomAD 0.00001; ESP Exome Variant Server 0.00008.
gnomAD v4.1: 16 of 1,613,550 alleles (0.00099%); highest among the groups gnomAD compares: African/African-American, 0.0067%; no homozygotes.

Submissions (2):

Ambry Genetics
Classification: Likely benign for Inborn genetic diseases. Last evaluated: 2025-04-13. Review status: criteria provided, single submitter. Criteria: Ambry Variant Classification Scheme 2023. Collection method: clinical testing. Allele origin: germline.

Labcorp Genetics (formerly Invitae), Labcorp
Classification: Uncertain significance. Last evaluated: 2022-02-05. Review status: criteria provided, single submitter. Criteria: Invitae Variant Classification Sherloc (09022015). Collection method: clinical testing. Allele origin: germline.
Comment: This sequence change affects codon 399 of the WDR1 mRNA. It is a 'silent' change, meaning that it does not change the encoded amino acid sequence of the WDR1 protein. It affects a nucleotide within the consensus splice site. This variant is present in population databases (rs374886428, gnomAD 0.0009%). This variant has not been reported in the literature in individuals affected with WDR1-related conditions. Algorithms developed to predict the effect of sequence changes on RNA splicing suggest that this variant is not likely to affect RNA splicing. In summary, the available evidence is currently insufficient to determine the role of this variant in disease. Therefore, it has been classified as a Variant of Uncertain Significance.

NM_017491.5(WDR1):c.1197C>T (p.Ser399=)

Gene: WDR1 (WD repeat domain 1; minus strand). Cytogenetic location: 4p16.1.
Variant type: single nucleotide variant.
Coding change: c.1197C>T on transcript NM_017491.5 (MANE Select); coding-DNA position 1197, C replaced by T.
Protein change: p.Ser399=; no amino-acid change (serine 399 retained).
Molecular consequence: synonymous variant.
Genome position (GRCh38, 1-based): chr4:10,081,444, G>A on the plus strand (C>T on the coding strand, the complement: WDR1 is on the minus strand). VCF-style: chr4-10081444-G-A. GRCh37 (hg19) VCF-style: chr4-10083068-G-A.
Other names: c.777C>T, p.Ser259= (NM_005112.5); c.1197C>T (NM_017491.3).
Identifiers: ClinVar variation 1479335 (VCV001479335.6), dbSNP rs374886428, ClinGen allele CA2857683.
Genomic context (GRCh38, chr4:10,081,444, plus strand): 5'-TCCCCCGGGGCCGACGGCTACGCACTTTGGCTGAACGTCCAGTTTCACAACTCCTTGTCC[G>A]CTGTTAGAGAGAAAGGAAGCACATTACTTCGACAATGCAGCAGCTCAGGGTAGGTATGCA-3'
Protein context (NP_059830.1, residues 389-409): RYTSLMLRDY[Ser399=]GQGVVKLDVQ